The following is an entry in ClinVar:

NM_000219.6(KCNE1):c.44A>C (p.Lys15Thr)

Gene: KCNE1 (potassium voltage-gated channel subfamily E regulatory subunit 1; minus strand). Cytogenetic location: 21q22.12.
Variant type: single nucleotide variant.
Coding change: c.44A>C on transcript NM_000219.6 (MANE Select); coding-DNA position 44, A replaced by C.
Protein change: p.Lys15Thr; replaces lysine 15 with threonine.
Molecular consequence: missense variant.
Genome position (GRCh38, 1-based): chr21:34,449,591, T>G on the plus strand (A>C on the coding strand, the complement: KCNE1 is on the minus strand). VCF-style: chr21-34449591-T-G. GRCh37 (hg19) VCF-style: chr21-35821889-T-G.
Other names: c.44A>C, p.Lys15Thr (NM_001127668.4, NM_001127669.4, NM_001127670.4 and 4 more transcripts); short protein forms K15T.
Identifiers: ClinVar variation 3373892 (VCV003373892.2).
Genomic context (GRCh38, chr21:34,449,591, plus strand): 5'-GGGGACCTGCGGGCCAGGCCCGACATGTTGCCACCCTGCTGAACTGTCTCCTGCCACAGC[T>G]TGGTCAGAAAGGGCGTCACCGCTGTGGTGTTAGACAGGATCATCCTGGGCATTAAGGTTC-3'
Protein context (NP_000210.2, residues 5-25): NTTAVTPFLT[Lys15Thr]LWQETVQQGG

Conditions:
Long QT syndrome 5 (LQT5). Identifiers: Orphanet 101016, Orphanet 768, MedGen C1867904, MONDO:0013372, OMIM 613695.

Submission:

Roden Lab, Vanderbilt University Medical Center
No classification provided (evidence only). Condition: Long QT syndrome 5. Review status: no classification provided. Collection method: in vitro. Allele origin: not applicable. Functional consequence: Effect on ion channel function.
ClinVar note: "not provided" was previously submitted as the classification for the variant. However, the classification appeared to be based only on an observation of functional data so it was converted to no classification on 2025-07-30.